The following is an entry in ClinVar:

NM_024408.4(NOTCH2):c.6802T>C (p.Phe2268Leu)

Gene: NOTCH2 (notch receptor 2; minus strand). Cytogenetic location: 1p12.
Variant type: single nucleotide variant.
Coding change: c.6802T>C on transcript NM_024408.4 (MANE Select); coding-DNA position 6802, T replaced by C.
Protein change: p.Phe2268Leu; replaces phenylalanine 2268 with leucine.
Molecular consequence: missense variant.
Genome position (GRCh38, 1-based): chr1:119,915,920, A>G on the plus strand (T>C on the coding strand, the complement: NOTCH2 is on the minus strand). VCF-style: chr1-119915920-A-G. GRCh37 (hg19) VCF-style: chr1-120458543-A-G.
Other names: short protein forms F2268L.
Identifiers: ClinVar variation 3711953 (VCV003711953.4).

ClinVar aggregate classification (germline): Uncertain significance. Review status: criteria provided, multiple submitters, no conflicts (2 of 4 stars). 2 submissions from 2 submitters: Uncertain significance (2). Last evaluated 2024-11-21.

Conditions:
Hajdu-Cheney syndrome (HJCYS). Also called: Acroosteolysis dominant type; ACROOSTEOLYSIS WITH OSTEOPOROSIS AND CHANGES IN SKULL AND MANDIBLE; SERPENTINE FIBULA-POLYCYSTIC KIDNEY SYNDROME. Identifiers: Orphanet 955, MedGen C0917715, MONDO:0007057, OMIM 102500.

gnomAD v4.1: 10 of 1,614,130 alleles (0.00062%); highest among the groups gnomAD compares: Middle Eastern, 0.049%; no homozygotes.

Submissions (2):

Dasa
Classification: Uncertain significance. Last evaluated: 2024-11-21. Review status: criteria provided, single submitter. Criteria: DASA Assertion Criteria. Collection method: clinical testing. Allele origin: germline.
Comment: NM_024408.4(NOTCH2):c.6802T>C (p.Phe2268Leu) is a missense variant that results in the substitution of phenylalanine with leucine. This variant is rare in population databases. The currently available literature and clinical evidence are not sufficient to establish a definitive association between this variant and the reported condition. Therefore, this variant is classified as a variant of uncertain significance.

Labcorp Genetics (formerly Invitae), Labcorp
Classification: Uncertain significance for Hajdu-Cheney syndrome. Last evaluated: 2024-08-19. Review status: criteria provided, single submitter. Criteria: Invitae Variant Classification Sherloc (09022015). Collection method: clinical testing. Allele origin: germline.
Comment: This sequence change replaces phenylalanine, which is neutral and non-polar, with leucine, which is neutral and non-polar, at codon 2268 of the NOTCH2 protein (p.Phe2268Leu). This variant is present in population databases (rs149580724, gnomAD 0.002%). This variant has not been reported in the literature in individuals affected with NOTCH2-related conditions. Invitae Evidence Modeling of protein sequence and biophysical properties (such as structural, functional, and spatial information, amino acid conservation, physicochemical variation, residue mobility, and thermodynamic stability) indicates that this missense variant is not expected to disrupt NOTCH2 protein function with a negative predictive value of 80%. In summary, the available evidence is currently insufficient to determine the role of this variant in disease. Therefore, it has been classified as a Variant of Uncertain Significance.